The following is an entry in ClinVar:

NM_004369.4(COL6A3):c.1080C>T (p.Asp360=)

Gene: COL6A3 (collagen type VI alpha 3 chain; minus strand). Cytogenetic location: 2q37.3.
Variant type: single nucleotide variant.
Coding change: c.1080C>T on transcript NM_004369.4 (MANE Select); coding-DNA position 1080, C replaced by T.
Protein change: p.Asp360=; no amino-acid change (aspartic acid 360 retained).
Molecular consequence: synonymous variant. On other transcripts: intron variant (2).
Genome position (GRCh38, 1-based): chr2:237,387,814, G>A on the plus strand (C>T on the coding strand, the complement: COL6A3 is on the minus strand). VCF-style: chr2-237387814-G-A. GRCh37 (hg19) VCF-style: chr2-238296457-G-A.
Other names: c.462C>T, p.Asp154= (NM_057165.5, NM_057167.4); c.92-6315C>T (NM_057166.5, NM_057164.5).
Identifiers: ClinVar variation 497663 (VCV000497663.37), dbSNP rs762463347, ClinGen allele CA2189714.

ClinVar aggregate classification (germline): Conflicting classifications of pathogenicity. Review status: criteria provided, conflicting classifications (1 of 4 stars). 3 submissions from 3 submitters: Uncertain significance (1); Likely benign (2). Last evaluated 2024-11-26.

Conditions:
Bethlem myopathy 1A. Also called: MYOPATHY, BENIGN CONGENITAL, WITH CONTRACTURES; Bethlem Muscular Dystrophy; Bethlem myopathy 1. Identifiers: Orphanet 610, MedGen CN029274, MONDO:0024530, OMIM 158810.

Allele frequency attached by ClinVar (database versions not stated): gnomAD 0.00001; TOPMed 0.00001; ExAC 0.00002; gnomAD exomes 0.00003.
gnomAD v4.1: 47 of 1,614,030 alleles (0.0029%); highest among the groups gnomAD compares: African/African-American, 0.0053%; no homozygotes.

Submissions (3):

Labcorp Genetics (formerly Invitae), Labcorp
Classification: Likely benign for Bethlem myopathy 1A. Last evaluated: 2024-11-26. Review status: criteria provided, single submitter. Criteria: Invitae Variant Classification Sherloc (09022015). Collection method: clinical testing. Allele origin: germline.

CeGaT Center for Human Genetics Tuebingen
Classification: Likely benign. Last evaluated: 2023-02-01. Review status: criteria provided, single submitter. Criteria: CeGaT Center For Human Genetics Tuebingen Variant Classification Criteria Version 2. Collection method: clinical testing. Allele origin: germline. Affected: yes. Observed: 1 variant allele.
Comment: COL6A3: BP4, BP7

Eurofins Ntd Llc (ga)
Classification: Uncertain significance. Last evaluated: 2016-10-21. Review status: criteria provided, single submitter. Criteria: EGL Classification Definitions 2015. Collection method: clinical testing. Allele origin: germline. Observed: 1 variant allele, 1 heterozygote.